The following is an entry in ClinVar:

NM_000179.3(MSH6):c.3716dup (p.Cys1241fs)

Gene: MSH6 (mutS homolog 6; plus strand). Cytogenetic location: 2p16.3.
Variant type: Duplication.
Coding change: c.3716dup on transcript NM_000179.3 (MANE Select); coding-DNA position 3716, one base duplicated (T; older notation c.3716dupT).
Protein change: p.Cys1241fs; shifts the reading frame from cysteine 1241.
Molecular consequence: frameshift variant.
Genome position (GRCh38, 1-based): chr2:47,806,273, T duplicated. VCF-style (leftmost placement, unchanged base first): chr2-47806272-A-AT. GRCh37 (hg19) VCF-style: chr2-48033411-A-AT.
Other names: c.3326dup, p.Cys1111fs (NM_001281492.2); c.2810dup, p.Cys939fs (NM_001281493.2, NM_001281494.2); c.3716dupT (NM_000179.2); short protein forms C1111fs, C939fs, C1241fs.
Identifiers: ClinVar variation 428311 (VCV000428311.11), dbSNP rs1114167706, ClinGen allele CA645369303.

ClinVar aggregate classification (germline): Pathogenic. Review status: criteria provided, multiple submitters, no conflicts (2 of 4 stars). 3 submissions from 3 submitters: Pathogenic (3). Last evaluated 2024-08-04.

Conditions:
Hereditary nonpolyposis colorectal neoplasms. Identifiers: MedGen C0009405, MeSH D003123.
Hereditary cancer-predisposing syndrome. Also called: Hereditary Cancer Syndrome; Neoplastic Syndromes, Hereditary; Hereditary neoplastic syndrome; Tumor predisposition. Identifiers: Orphanet 140162, MedGen C0027672, MeSH D009386, MONDO:0015356.

Submissions (3):

Labcorp Genetics (formerly Invitae), Labcorp
Classification: Pathogenic for Hereditary nonpolyposis colorectal neoplasms. Last evaluated: 2024-08-04. Review status: criteria provided, single submitter. Criteria: Invitae Variant Classification Sherloc (09022015). Collection method: clinical testing. Allele origin: germline.
Comment: This sequence change creates a premature translational stop signal (p.Cys1241Metfs*34) in the MSH6 gene. It is expected to result in an absent or disrupted protein product. Loss-of-function variants in MSH6 are known to be pathogenic (PMID: 18269114, 24362816). This variant is not present in population databases (gnomAD no frequency). This variant has not been reported in the literature in individuals affected with MSH6-related conditions. ClinVar contains an entry for this variant (Variation ID: 428311). For these reasons, this variant has been classified as Pathogenic.

Mayo Clinic Laboratories, Mayo Clinic
Classification: Pathogenic. Last evaluated: 2021-10-19. Review status: criteria provided, single submitter. Criteria: ACMG Guidelines, 2015. Collection method: clinical testing. Allele origin: germline.
Comment: PP5, PM2, PVS1

Ambry Genetics
Classification: Pathogenic for Hereditary cancer-predisposing syndrome. Last evaluated: 2016-09-02. Review status: criteria provided, single submitter. Criteria: Ambry Variant Classification Scheme 2023. Collection method: clinical testing. Allele origin: germline.
Comment: The c.3716dupT pathogenic mutation, located in coding exon 8 of the MSH6 gene, results from a duplication of T at nucleotide position 3716, causing a translational frameshift with a predicted alternate stop codon. This alteration is expected to result in loss of function by premature protein truncation or nonsense-mediated mRNA decay. As such, this alteration is interpreted as a disease-causing mutation.

Literature cited by the submitters: PubMed 18269114 (cited by Labcorp Genetics (formerly Invitae), Labcorp); PubMed 24362816 (cited by Labcorp Genetics (formerly Invitae), Labcorp).